The following is an entry in ClinVar:

NM_000321.3(RB1):c.1313G>T (p.Cys438Phe)

Gene: RB1 (RB transcriptional corepressor 1; plus strand). Cytogenetic location: 13q14.2.
Variant type: single nucleotide variant.
Coding change: c.1313G>T on transcript NM_000321.3 (MANE Select); coding-DNA position 1313, G replaced by T.
Protein change: p.Cys438Phe; replaces cysteine 438 with phenylalanine.
Molecular consequence: missense variant.
Genome position (GRCh38, 1-based): chr13:48,377,015, G>T. VCF-style: chr13-48377015-G-T. GRCh37 (hg19) VCF-style: chr13-48951151-G-T.
Other names: c.1313G>T (NM_000321.2); short protein forms C438F.
Identifiers: ClinVar variation 999200 (VCV000999200.9), dbSNP rs1952832267, ClinGen allele CA388162154.

ClinVar aggregate classification (germline): Uncertain significance. Review status: criteria provided, multiple submitters, no conflicts (2 of 4 stars). 2 submissions from 2 submitters: Uncertain significance (2). Last evaluated 2025-01-05.

Conditions:
Hereditary cancer-predisposing syndrome. Also called: Neoplastic Syndromes, Hereditary; Tumor predisposition; Hereditary Cancer Syndrome; Hereditary neoplastic syndrome. Identifiers: Orphanet 140162, MedGen C0027672, MeSH D009386, MONDO:0015356.
Retinoblastoma (RB1). Also called: RETINOBLASTOMA, SOMATIC. Identifiers: Orphanet 790, MedGen C0035335, MeSH D012175, MONDO:0008380, OMIM 180200, HP:0009919. Disease mechanism: loss of function. Inheritance: Both sporadic and heritable forms are tested..

Submissions (2):

Ambry Genetics
Classification: Uncertain significance for Hereditary cancer-predisposing syndrome. Last evaluated: 2025-01-05. Review status: criteria provided, single submitter. Criteria: Ambry Variant Classification Scheme 2023. Collection method: clinical testing. Allele origin: germline.
Comment: The p.C438F variant (also known as c.1313G>T), located in coding exon 13 of the RB1 gene, results from a G to T substitution at nucleotide position 1313. The cysteine at codon 438 is replaced by phenylalanine, an amino acid with highly dissimilar properties. This amino acid position is conserved. In addition, this alteration is predicted to be deleterious by in silico analysis. Based on the available evidence, the clinical significance of this variant remains unclear.

Labcorp Genetics (formerly Invitae), Labcorp
Classification: Uncertain significance for Retinoblastoma. Last evaluated: 2024-10-24. Review status: criteria provided, single submitter. Criteria: Invitae Variant Classification Sherloc (09022015). Collection method: clinical testing. Allele origin: germline.
Comment: This sequence change replaces cysteine, which is neutral and slightly polar, with phenylalanine, which is neutral and non-polar, at codon 438 of the RB1 protein (p.Cys438Phe). This variant is not present in population databases (gnomAD no frequency). This variant has not been reported in the literature in individuals affected with RB1-related conditions. ClinVar contains an entry for this variant (Variation ID: 999200). Invitae Evidence Modeling of protein sequence and biophysical properties (such as structural, functional, and spatial information, amino acid conservation, physicochemical variation, residue mobility, and thermodynamic stability) indicates that this missense variant is not expected to disrupt RB1 protein function with a negative predictive value of 80%. In summary, the available evidence is currently insufficient to determine the role of this variant in disease. Therefore, it has been classified as a Variant of Uncertain Significance.